The following is an entry in ClinVar:

NM_015450.3(POT1):c.318del (p.Phe106fs)

Gene: POT1 (protection of telomeres 1; minus strand). Cytogenetic location: 7q31.33.
Variant type: Deletion.
Coding change: c.318del on transcript NM_015450.3 (MANE Select); coding-DNA position 318, one base deleted (T; older notation c.318delT).
Protein change: p.Phe106fs; shifts the reading frame from phenylalanine 106.
Molecular consequence: frameshift variant. On other transcripts: 5 prime UTR variant (1), non-coding transcript variant (3).
Genome position (GRCh38, 1-based): chr7:124,863,578, A deleted on the plus strand (T on the coding strand, the reverse complement: POT1 is on the minus strand); the first of 3 consecutive A bases (chr7:124,863,578-124,863,580); deleting any one gives the same sequence. VCF-style (leftmost placement, unchanged base first): chr7-124863577-CA-C. GRCh37 (hg19) VCF-style: chr7-124503631-CA-C.
Other names: c.-76del (NM_001042594.2); short protein forms F106fs.
Identifiers: ClinVar variation 1728640 (VCV001728640.2), dbSNP rs2485481246, ClinGen allele CA2580076440.

ClinVar aggregate classification (germline): Pathogenic (1 of 4 stars; one submission).

Conditions:
Hereditary cancer-predisposing syndrome. Also called: Tumor predisposition; Neoplastic Syndromes, Hereditary; Hereditary Cancer Syndrome; Hereditary neoplastic syndrome. Identifiers: Orphanet 140162, MedGen C0027672, MeSH D009386, MONDO:0015356.

Submission:

Ambry Genetics
Classification: Pathogenic for Hereditary cancer-predisposing syndrome. Last evaluated: 2022-02-22. Review status: criteria provided, single submitter. Criteria: Ambry Variant Classification Scheme 2023. Collection method: clinical testing. Allele origin: germline.
Comment: The c.318delT pathogenic mutation, located in coding exon 4 of the POT1 gene, results from a deletion of one nucleotide at nucleotide position 318, causing a translational frameshift with a predicted alternate stop codon (p.F106Lfs*28). This variant is considered to be rare based on population cohorts in the Genome Aggregation Database (gnomAD). This alteration is expected to result in loss of function by premature protein truncation or nonsense-mediated mRNA decay. As such, this alteration is interpreted as a disease-causing mutation.